The following is an entry in ClinVar:

NM_001256545.2(MEGF10):c.1840+9C>G

Gene: MEGF10 (multiple EGF like domains 10; plus strand). Cytogenetic location: 5q23.2.
Variant type: single nucleotide variant.
Coding change: c.1840+9C>G on transcript NM_001256545.2 (MANE Select); 9 bases into the intron after coding-DNA position 1840, C replaced by G.
Molecular consequence: intron variant.
Genome position (GRCh38, 1-based): chr5:127,433,518, C>G. VCF-style: chr5-127433518-C-G. GRCh37 (hg19) VCF-style: chr5-126769210-C-G.
Other names: c.1840+9C>G (NM_032446.3).
Identifiers: ClinVar variation 682081 (VCV000682081.9), dbSNP rs371418375, ClinGen allele CA3391739.

ClinVar aggregate classification (germline): Likely benign. Review status: criteria provided, multiple submitters, no conflicts (2 of 4 stars). 2 submissions from 2 submitters: Likely benign (2). Last evaluated 2024-12-09.

Conditions:
MEGF10-related myopathy (CMYO10A). Also called: Congenital myopathy 10A, severe variant. Identifiers: Orphanet 439212, MedGen C3280679, MONDO:0013731, OMIM 614399.

Allele frequency attached by ClinVar (database versions not stated): gnomAD exomes 0.00001; ExAC 0.00002; gnomAD 0.00005 and 0.00006; TOPMed 0.00006; ESP Exome Variant Server 0.00015.
gnomAD v4.1: 11 of 1,584,790 alleles (0.00069%); highest among the groups gnomAD compares: African/African-American, 0.015%; no homozygotes.

Submissions (2):

Labcorp Genetics (formerly Invitae), Labcorp
Classification: Likely benign for MEGF10-related myopathy. Last evaluated: 2024-12-09. Review status: criteria provided, single submitter. Criteria: Invitae Variant Classification Sherloc (09022015). Collection method: clinical testing. Allele origin: germline.

GeneDx
Classification: Likely benign. Last evaluated: 2018-04-19. Review status: criteria provided, single submitter. Criteria: GeneDx Variant Classification (06012015). Collection method: clinical testing. Allele origin: germline. Affected: yes.
Comment: This variant is considered likely benign or benign based on one or more of the following criteria: it is a conservative change, it occurs at a poorly conserved position in the protein, it is predicted to be benign by multiple in silico algorithms, and/or has population frequency not consistent with disease.